The following is an entry in ClinVar:

ClinVar aggregate classification (germline): Uncertain significance (1 of 4 stars; one submission).

Submission:

GeneDx
Classification: Uncertain significance. Last evaluated: 2025-08-11. Review status: criteria provided, single submitter. Criteria: GeneDx Variant Classification Process June 2021. Collection method: clinical testing. Allele origin: germline. Affected: yes.
Comment: Not observed at significant frequency in large population cohorts (gnomAD); In silico analysis suggests that this missense variant does not alter protein structure/function; Has not been previously published as pathogenic or benign to our knowledge

NM_018489.3(ASH1L):c.7309G>C (p.Ala2437Pro)

Gene: ASH1L (ASH1 like histone lysine methyltransferase; minus strand). Cytogenetic location: 1q22.
Variant type: single nucleotide variant.
Coding change: c.7309G>C on transcript NM_018489.3 (MANE Select); coding-DNA position 7309, G replaced by C.
Protein change: p.Ala2437Pro; replaces alanine 2437 with proline.
Molecular consequence: missense variant.
Genome position (GRCh38, 1-based): chr1:155,352,763, C>G on the plus strand (G>C on the coding strand, the complement: ASH1L is on the minus strand). VCF-style: chr1-155352763-C-G. GRCh37 (hg19) VCF-style: chr1-155322554-C-G.
Other names: c.7324G>C, p.Ala2442Pro (NM_001366177.2); short protein forms A2437P, A2442P.
Identifiers: ClinVar variation 4795700 (VCV004795700.1).